The following is an entry in ClinVar:

NM_014967.5(FAN1):c.-152-7_-152-5del

Gene: FAN1 (FANCD2 and FANCI associated nuclease 1; plus strand). Cytogenetic location: 15q13.3.
Variant type: Microsatellite.
Coding change: c.-152-7_-152-5del on transcript NM_014967.5 (MANE Select); 7 bases into the intron before 152 bases upstream of the start codon through 5 bases into the intron before 152 bases upstream of the start codon, 3 bases deleted (CTT; older notation c.-152-7_-152-5delCTT).
Molecular consequence: intron variant.
Genome position (GRCh38, 1-based): chr15:30,904,505-30,904,507, CTT deleted; deleting any 3 consecutive bases within chr15:30,904,500-30,904,507 gives the same sequence; the c. name uses the placement nearest the transcript's 3' end. VCF-style (leftmost placement, unchanged base first): chr15-30904499-TTTC-T. GRCh37 (hg19) VCF-style: chr15-31196702-TTTC-T.
Other names: c.-152-7_-152-5del (NM_001146095.1, NM_001146096.2, NM_001146094.2).
Identifiers: ClinVar variation 1314887 (VCV001314887.2), dbSNP rs747665384, ClinGen allele CA7449916.
Genomic context (GRCh38, chr15:30,904,499, plus strand): 5'-CGTTTCAGAGTTCGCTTTTCCCCTTGCTGAATTCATAAAAATGTTTTTAATTTATATGTG[TTTC>T]TTCTTGTAGGAAGAAGAAATTGTCGAGACGAATAACATGAGGTCATATAGAATCCCACTT-3'

ClinVar aggregate classification (germline): Uncertain significance (1 of 4 stars; one submission).

Submission:

GeneDx
Classification: Uncertain significance. Last evaluated: 2021-04-19. Review status: criteria provided, single submitter. Criteria: GeneDx Variant Classification Process June 2021. Collection method: clinical testing. Allele origin: germline. Affected: yes.
Comment: Not observed at a significant frequency in large population cohorts (Lek et al., 2016); In silico analysis supports that this variant does not alter splicing; Has not been previously published as pathogenic or benign to our knowledge